The following is an entry in ClinVar:

ClinVar aggregate classification (germline): Uncertain significance (1 of 4 stars; one submission).

Conditions:
Severe myoclonic epilepsy in infancy (DRVT). Also called: SEVERE MYOCLONIC EPILEPSY OF INFANCY; DEVELOPMENTAL AND EPILEPTIC ENCEPHALOPATHY 6A; Severe Myoclonic Epilepsy in Infancy (SMEI); Dravet syndrome; Epileptic encephalopathy, early infantile, 6 (Dravet syndrome). Identifiers: Orphanet 33069, MedGen C0751122, MONDO:0100135, OMIM 607208.

Submission:

Labcorp Genetics (formerly Invitae), Labcorp
Classification: Uncertain significance for Severe myoclonic epilepsy in infancy. Last evaluated: 2019-03-18. Review status: criteria provided, single submitter. Criteria: Invitae Variant Classification Sherloc (09022015). Collection method: clinical testing. Allele origin: germline.
Comment: In summary, the available evidence is currently insufficient to determine the role of this variant in disease. Therefore, it has been classified as a Variant of Uncertain Significance. Algorithms developed to predict the effect of missense changes on protein structure and function are either unavailable or do not agree on the potential impact of this missense change (SIFT: "Deleterious"; PolyPhen-2: "Benign"; Align-GVGD: "Class C0"). This variant has not been reported in the literature in individuals with SNX27-related conditions. This variant is not present in population databases (ExAC no frequency). This sequence change replaces asparagine with lysine at codon 71 of the SNX27 protein (p.Asn71Lys). The asparagine residue is moderately conserved and there is a moderate physicochemical difference between asparagine and lysine.

NM_001330723.2(SNX27):c.213C>G (p.Asn71Lys)

Gene: SNX27 (sorting nexin 27; plus strand). Cytogenetic location: 1q21.3.
Variant type: single nucleotide variant.
Coding change: c.213C>G on transcript NM_001330723.2 (MANE Select); coding-DNA position 213, C replaced by G.
Protein change: p.Asn71Lys; replaces asparagine 71 with lysine.
Molecular consequence: missense variant.
Genome position (GRCh38, 1-based): chr1:151,612,414, C>G. VCF-style: chr1-151612414-C-G. GRCh37 (hg19) VCF-style: chr1-151584890-C-G.
Other names: c.213C>G, p.Asn71Lys (NM_030918.6); short protein forms N71K.
Identifiers: ClinVar variation 850142 (VCV000850142.10), dbSNP rs1341644365, ClinGen allele CA341974325.